The following is an entry in ClinVar:

ClinVar aggregate classification (germline): Conflicting classifications of pathogenicity. Review status: criteria provided, conflicting classifications (1 of 4 stars). 3 submissions from 3 submitters: Uncertain significance (2); Likely benign (1). Last evaluated 2023-03-23.

Conditions:
Hereditary cancer-predisposing syndrome. Also called: Neoplastic Syndromes, Hereditary; Tumor predisposition; Hereditary neoplastic syndrome; Hereditary Cancer Syndrome. Identifiers: Orphanet 140162, MedGen C0027672, MeSH D009386, MONDO:0015356.
Hereditary breast ovarian cancer syndrome. Also called: Hereditary breast and ovarian cancer syndrome (HBOC); Hereditary breast and ovarian cancer; Hereditary breast and/or ovarian cancer syndrome; Hereditary breast and ovarian cancer syndrome; Breast and ovarian cancer; BRCA1- and BRCA2-Associated Hereditary Breast and Ovarian Cancer. Identifiers: Orphanet 145, MedGen C0677776, MeSH D061325, MONDO:0003582. Disease mechanism: loss of function.

gnomAD v4.1: 1 of 1,614,036 alleles (0.000062%); highest among the groups gnomAD compares: South Asian, 0.0011%; no homozygotes.

Submissions (3):

University of Washington Department of Laboratory Medicine, University of Washington
Classification: Likely benign for Hereditary cancer-predisposing syndrome. Last evaluated: 2023-03-23. Review status: criteria provided, single submitter. Criteria: Dines et al. (Genet Med. 2020). Collection method: curation. Allele origin: germline.
Comment: Missense variant in a coldspot region where missense variants are very unlikely to be pathogenic (PMID:31911673).

BRCA2 exon 11 coldspot. Reclassification based on statistical prior probability.

Labcorp Genetics (formerly Invitae), Labcorp
Classification: Uncertain significance for Hereditary breast ovarian cancer syndrome. Last evaluated: 2018-01-20. Review status: criteria provided, single submitter. Criteria: Invitae Variant Classification Sherloc (09022015). Collection method: clinical testing. Allele origin: germline.
Comment: In summary, the available evidence is currently insufficient to determine the role of this variant in disease. Therefore, it has been classified as a Variant of Uncertain Significance. Algorithms developed to predict the effect of missense changes on protein structure and function do not agree on the potential impact of this missense change (SIFT: "Deleterious"; PolyPhen-2: "Probably Damaging"; Align-GVGD: "Class C0"). This variant has not been reported in the literature in individuals with BRCA2-related disease. This variant is not present in population databases (ExAC no frequency). This sequence change replaces serine with proline at codon 2001 of the BRCA2 protein (p.Ser2001Pro). The serine residue is highly conserved and there is a moderate physicochemical difference between serine and proline.

Ambry Genetics
Classification: Uncertain significance for Hereditary cancer-predisposing syndrome. Last evaluated: 2017-12-26. Review status: criteria provided, single submitter. Criteria: Ambry Variant Classification Scheme 2023. Collection method: clinical testing. Allele origin: germline.
Comment: The p.S2001P variant (also known as c.6001T>C), located in coding exon 10 of the BRCA2 gene, results from a T to C substitution at nucleotide position 6001. The serine at codon 2001 is replaced by proline, an amino acid with similar properties. This amino acid position is highly conserved in available vertebrate species. In addition, the in silico prediction for this alteration is inconclusive. Since supporting evidence is limited at this time, the clinical significance of this alteration remains unclear.

NM_000059.4(BRCA2):c.6001T>C (p.Ser2001Pro)

Gene: BRCA2 (BRCA2 DNA repair associated; plus strand). Cytogenetic location: 13q13.1.
Variant type: single nucleotide variant.
Coding change: c.6001T>C on transcript NM_000059.4 (MANE Select); coding-DNA position 6001, T replaced by C.
Protein change: p.Ser2001Pro; replaces serine 2001 with proline.
Molecular consequence: missense variant.
Genome position (GRCh38, 1-based): chr13:32,340,356, T>C. VCF-style: chr13-32340356-T-C. GRCh37 (hg19) VCF-style: chr13-32914493-T-C.
Other names: short protein forms S2001P.
Identifiers: ClinVar variation 566559 (VCV000566559.14), dbSNP rs939633265, ClinGen allele CA387787678.
Genomic context (GRCh38, chr13:32,340,356, plus strand): 5'-GCAAGTGGAAAATCTGTCCAGGTATCAGATGCTTCATTACAAAACGCAAGACAAGTGTTT[T>C]CTGAAATAGAAGATAGTACCAAGCAAGTCTTTTCCAAAGTATTGTTTAAAAGTAACGAAC-3'
Protein context (NP_000050.3, residues 1991-2011): ASLQNARQVF[Ser2001Pro]EIEDSTKQVF